The following is an entry in ClinVar:

ClinVar aggregate classification (germline): Uncertain significance (1 of 4 stars; one submission).

Conditions:
Peroxisome biogenesis disorder. Identifiers: Orphanet 79189, MedGen C1832200, MONDO:0019234. Disease mechanism: loss of function.

Allele frequency attached by ClinVar (database versions not stated): gnomAD 0.00001.

Submission:

Labcorp Genetics (formerly Invitae), Labcorp
Classification: Uncertain significance for Peroxisome biogenesis disorder. Last evaluated: 2021-11-04. Review status: criteria provided, single submitter. Criteria: Invitae Variant Classification Sherloc (09022015). Collection method: clinical testing. Allele origin: germline.
Comment: This sequence change replaces serine, which is neutral and polar, with alanine, which is neutral and non-polar, at codon 310 of the PEX6 protein (p.Ser310Ala). This variant is not present in population databases (gnomAD no frequency). This variant has not been reported in the literature in individuals affected with PEX6-related conditions. Algorithms developed to predict the effect of missense changes on protein structure and function (SIFT, PolyPhen-2, Align-GVGD) all suggest that this variant is likely to be tolerated. In summary, the available evidence is currently insufficient to determine the role of this variant in disease. Therefore, it has been classified as a Variant of Uncertain Significance.

NM_000287.4(PEX6):c.928T>G (p.Ser310Ala)

Gene: PEX6 (peroxisomal biogenesis factor 6; minus strand). Cytogenetic location: 6p21.1.
Variant type: single nucleotide variant.
Coding change: c.928T>G on transcript NM_000287.4 (MANE Select); coding-DNA position 928, T replaced by G.
Protein change: p.Ser310Ala; replaces serine 310 with alanine.
Molecular consequence: missense variant. On other transcripts: non-coding transcript variant (1).
Genome position (GRCh38, 1-based): chr6:42,974,993, A>C on the plus strand (T>G on the coding strand, the complement: PEX6 is on the minus strand). VCF-style: chr6-42974993-A-C. GRCh37 (hg19) VCF-style: chr6-42942731-A-C.
Other names: c.664T>G, p.Ser222Ala (NM_001316313.2); short protein forms S310A, S222A.
Identifiers: ClinVar variation 1466403 (VCV001466403.3), dbSNP rs1770228334, ClinGen allele CA364160076.